The following is an entry in ClinVar:

NM_014946.4(SPAST):c.1245+1G>T

Gene: SPAST (spastin; plus strand). Cytogenetic location: 2p22.3.
Variant type: single nucleotide variant.
Coding change: c.1245+1G>T on transcript NM_014946.4 (MANE Select); the canonical splice donor site of the intron after coding-DNA position 1245, G replaced by T.
Molecular consequence: splice donor variant.
Genome position (GRCh38, 1-based): chr2:32,128,480, G>T. VCF-style: chr2-32128480-G-T. GRCh37 (hg19) VCF-style: chr2-32353549-G-T.
Other names: c.1149+1G>T (NM_199436.2, NM_001377959.1); c.1242+1G>T (NM_001363823.2); c.1146+1G>T (NM_001363875.2).
Identifiers: ClinVar variation 3345660 (VCV003345660.4).

ClinVar aggregate classification (germline): Pathogenic. Review status: criteria provided, multiple submitters, no conflicts (2 of 4 stars). 3 submissions from 3 submitters: Pathogenic (2). 1 of the submissions does not count toward it. Last evaluated 2024-05-02.

Conditions:
SPAST-related disorder. Also called: SPAST-related condition.
Hereditary spastic paraplegia 4. Also called: Spastic paraplegia 4, autosomal dominant; Spastic Paraplegia 4; Familial spastic paraplegia autosomal dominant 2. Identifiers: Orphanet 100985, MedGen C1866855, MONDO:0008438, OMIM 182601.

Submissions (3):

Labcorp Genetics (formerly Invitae), Labcorp
Classification: Pathogenic for Hereditary spastic paraplegia 4. Last evaluated: 2024-05-02. Review status: criteria provided, single submitter. Criteria: Invitae Variant Classification Sherloc (09022015). Collection method: clinical testing. Allele origin: germline.
Comment: This sequence change affects a donor splice site in intron 9 of the SPAST gene. RNA analysis indicates that disruption of this splice site induces altered splicing and likely results in a shortened protein product. This variant is not present in population databases (gnomAD no frequency). Disruption of this splice site has been observed in individuals with hereditary spastic paraplegia (PMID: 11309678, 12161613, 22552817, 22960362, 26600529). This variant is also known as 1370+1g-t. Studies have shown that disruption of this splice site results in skipping of exon 9, but is expected to preserve the integrity of the reading-frame (PMID: 11309678, 26600529). For these reasons, this variant has been classified as Pathogenic.

Blueprint Genetics
Classification: Pathogenic for SPAST-related disorders. Last evaluated: 2019-07-29. Review status: criteria provided, single submitter. Criteria: ACMG Guidelines, 2015. Collection method: clinical testing. Allele origin: germline. Affected: yes. Observed: 2 variant alleles.

PreventionGenetics, part of Exact Sciences
Classification: Pathogenic for SPAST-related condition. Last evaluated: 2024-04-30. Review status: no assertion criteria provided. Collection method: clinical testing. Allele origin: germline. Not counted in ClinVar's aggregate classification.
Comment: The SPAST c.1245+1G>T variant is predicted to disrupt the GT donor site and interfere with normal splicing. This variant was reported in an individual with autosomal dominant hereditary spastic paraplegia, autosomal dominant (listed as 1370+1g→t, Yabe et al. 2002. PubMed ID: 12161613). This variant has not been reported in a large population database, indicating this variant is rare. Alternative variants at the same nucleotide c.1245+1G>A and c.1245+1G>C were also reported in individuals with autosomal dominant spastic paraplegia (listed as IVS9+1G→A, Svenson et al. 2001. PubMed ID: 11309678; Table 1, de Bot et al. 2010. PubMed ID: 20562464). Variants that disrupt the consensus splice donor site in SPAST are expected to be pathogenic. This variant is interpreted as pathogenic.

Literature cited by the submitters: PubMed 11309678 (cited by Labcorp Genetics (formerly Invitae), Labcorp); PubMed 12161613 (cited by Labcorp Genetics (formerly Invitae), Labcorp); PubMed 22552817 (cited by Labcorp Genetics (formerly Invitae), Labcorp); PubMed 22960362 (cited by Labcorp Genetics (formerly Invitae), Labcorp); PubMed 26600529 (cited by Labcorp Genetics (formerly Invitae), Labcorp).